The following is an entry in ClinVar:

NM_001035.3(RYR2):c.1853G>T (p.Cys618Phe)

Gene: RYR2 (ryanodine receptor 2; plus strand). Cytogenetic location: 1q43.
Variant type: single nucleotide variant.
Coding change: c.1853G>T on transcript NM_001035.3 (MANE Select); coding-DNA position 1853, G replaced by T.
Protein change: p.Cys618Phe; replaces cysteine 618 with phenylalanine.
Molecular consequence: missense variant.
Genome position (GRCh38, 1-based): chr1:237,492,979, G>T. VCF-style: chr1-237492979-G-T. GRCh37 (hg19) VCF-style: chr1-237656279-G-T.
Other names: short protein forms C618F.
Identifiers: ClinVar variation 1709904 (VCV001709904.2), dbSNP rs2545802573, ClinGen allele CA345389303.
Genomic context (GRCh38, chr1:237,492,979, plus strand): 5'-AGGGAGGATCAGCTGAAAGTAATTTCTCTTTTCAGGTTCTGGATGTCTTGTGCTCACTCT[G>T]TGTTTGCCACGGGGTTGCAGTCCGTTCTAACCAGCATCTCATCTGTGACAATCTCCTACC-3'
Protein context (NP_001026.2, residues 608-628): HKVLDVLCSL[Cys618Phe]VCHGVAVRSN

ClinVar aggregate classification (germline): Uncertain significance (1 of 4 stars; one submission).

Conditions:
Arrhythmogenic right ventricular dysplasia 2. Identifiers: MedGen C1832931.

Submission:

MGZ Medical Genetics Center
Classification: Uncertain significance for Catecholaminergic polymorphic ventricular tachycardia 1. Last evaluated: 2021-08-31. Review status: criteria provided, single submitter. Criteria: ACMG Guidelines, 2015. Collection method: clinical testing. Allele origin: germline. Affected: yes. Observed: 1 variant allele.
Comment: ACMG criteria applied: PM2_SUP, PP3